The following is an entry in ClinVar:

NM_005235.3(ERBB4):c.2172T>C (p.Leu724=)

Gene: ERBB4 (erb-b2 receptor tyrosine kinase 4; minus strand). Cytogenetic location: 2q34.
Variant type: single nucleotide variant.
Coding change: c.2172T>C on transcript NM_005235.3 (MANE Select); coding-DNA position 2172, T replaced by C.
Protein change: p.Leu724=; no amino-acid change (leucine 724 retained).
Molecular consequence: synonymous variant.
Genome position (GRCh38, 1-based): chr2:211,623,952, A>G on the plus strand (T>C on the coding strand, the complement: ERBB4 is on the minus strand). VCF-style: chr2-211623952-A-G. GRCh37 (hg19) VCF-style: chr2-212488677-A-G.
Other names: c.2172T>C, p.Leu724= (NM_001042599.2).
Identifiers: ClinVar variation 729304 (VCV000729304.33), dbSNP rs563877234, ClinGen allele CA2087833.

ClinVar aggregate classification (germline): Benign/Likely benign. Review status: criteria provided, multiple submitters, no conflicts (2 of 4 stars). 2 submissions from 2 submitters: Benign (1); Likely benign (1). Last evaluated 2026-01-12.

Allele frequency attached by ClinVar (database versions not stated): gnomAD 0.00001 and 0.00015; TOPMed 0.00002; gnomAD exomes 0.00035 and 0.00076; 1000 Genomes Project 30x 0.00078; 1000 Genomes Project 0.00080; ExAC 0.00088.
gnomAD v4.1: 541 of 1,614,186 alleles (0.034%); highest among the groups gnomAD compares: South Asian, 0.5%; 7 homozygotes.

Submissions (2):

Labcorp Genetics (formerly Invitae), Labcorp
Classification: Benign. Last evaluated: 2026-01-12. Review status: criteria provided, single submitter. Criteria: Invitae Variant Classification Sherloc (09022015). Collection method: clinical testing. Allele origin: germline.

CeGaT Center for Human Genetics Tuebingen
Classification: Likely benign. Last evaluated: 2022-08-01. Review status: criteria provided, single submitter. Criteria: CeGaT Center For Human Genetics Tuebingen Variant Classification Criteria Version 2. Collection method: clinical testing. Allele origin: germline. Affected: yes. Observed: 1 variant allele.
Comment: ERBB4: BP4, BP7